The following is an entry in ClinVar:

ClinVar aggregate classification (germline): Likely benign. Review status: criteria provided, multiple submitters, no conflicts (2 of 4 stars). 4 submissions from 4 submitters: Likely benign (4). Last evaluated 2021-02-16.

Conditions:
Hereditary breast ovarian cancer syndrome. Also called: Hereditary breast and/or ovarian cancer syndrome; Hereditary breast and ovarian cancer syndrome; Hereditary breast and ovarian cancer syndrome (HBOC); Hereditary breast and ovarian cancer; BRCA1- and BRCA2-Associated Hereditary Breast and Ovarian Cancer; Breast and ovarian cancer. Identifiers: Orphanet 145, MedGen C0677776, MeSH D061325, MONDO:0003582. Disease mechanism: loss of function.
Hereditary cancer-predisposing syndrome. Also called: Tumor predisposition; Hereditary neoplastic syndrome; Neoplastic Syndromes, Hereditary; Hereditary Cancer Syndrome. Identifiers: Orphanet 140162, MedGen C0027672, MeSH D009386, MONDO:0015356.

Allele frequency attached by ClinVar (database versions not stated): gnomAD exomes below 0.00001; TOPMed below 0.00001; gnomAD 0.00001.
gnomAD v4.1: 6 of 1,613,904 alleles (0.00037%); highest among the groups gnomAD compares: African/African-American, 0.008%; no homozygotes.

Submissions (4):

Labcorp Genetics (formerly Invitae), Labcorp
Classification: Likely benign for Hereditary breast ovarian cancer syndrome. Last evaluated: 2021-02-16. Review status: criteria provided, single submitter. Criteria: Invitae Variant Classification Sherloc (09022015). Collection method: clinical testing. Allele origin: germline.

Ambry Genetics
Classification: Likely benign for Hereditary cancer-predisposing syndrome. Last evaluated: 2017-10-04. Review status: criteria provided, single submitter. Criteria: Ambry Variant Classification Scheme 2023. Collection method: clinical testing. Allele origin: germline.

Color Diagnostics, LLC DBA Color Health
Classification: Likely benign for Hereditary cancer-predisposing syndrome. Last evaluated: 2016-12-08. Review status: criteria provided, single submitter. Criteria: ACMG Guidelines, 2015. Collection method: clinical testing. Allele origin: germline.

GeneDx
Classification: Likely benign. Last evaluated: 2016-07-14. Review status: criteria provided, single submitter. Criteria: GeneDx Variant Classification (06012015). Collection method: clinical testing. Allele origin: germline. Affected: yes.
Comment: This variant is considered likely benign or benign based on one or more of the following criteria: it is a conservative change, it occurs at a poorly conserved position in the protein, it is predicted to be benign by multiple in silico algorithms, and/or has population frequency not consistent with disease.

NM_007294.4(BRCA1):c.2874C>T (p.Phe958=)

Gene: BRCA1 (BRCA1 DNA repair associated; minus strand). Cytogenetic location: 17q21.31.
Variant type: single nucleotide variant.
Coding change: c.2874C>T on transcript NM_007294.4 (MANE Select); coding-DNA position 2874, C replaced by T.
Protein change: p.Phe958=; no amino-acid change (phenylalanine 958 retained).
Molecular consequence: synonymous variant. On other transcripts: intron variant (137).
Genome position (GRCh38, 1-based): chr17:43,092,657, G>A on the plus strand (C>T on the coding strand, the complement: BRCA1 is on the minus strand). VCF-style: chr17-43092657-G-A. GRCh37 (hg19) VCF-style: chr17-41244674-G-A.
Other names: c.647-1625C>T (NM_001408461.1, NM_001408459.1, NM_001408467.1 and 11 more transcripts); c.785-1625C>T (NM_001408397.1, NM_001408401.1, NM_001408396.1 and 13 more transcripts); c.665-1625C>T (NM_001408436.1, NM_001408444.1, NM_001408438.1 and 12 more transcripts); c.788-1625C>T (NM_001407980.1, NM_001407993.1, NM_001407976.1 and 17 more transcripts); c.710-1625C>T (NM_001408412.1, NM_001408409.1, NM_001408414.1 and 2 more transcripts); c.452-1625C>T (NM_001408509.1, NM_001408508.1); c.461-1625C>T (NM_001408506.1, NM_001408507.1); c.578-1625C>T (NM_001408481.1, NM_001408480.1, NM_001408492.1 and 9 more transcripts); and 41 more.
Identifiers: ClinVar variation 380259 (VCV000380259.17), dbSNP rs1029207537, ClinGen allele CA16608448.